The following is an entry in ClinVar:

ClinVar aggregate classification (germline): Uncertain significance (1 of 4 stars; one submission).

Conditions:
46,XY sex reversal 9 (SRXY9). Also called: 46,XY SEX REVERSAL, ZFPM2-RELATED. Identifiers: Orphanet 251510, MedGen C4015129, MONDO:0014480, OMIM 616067.

Allele frequency attached by ClinVar (database versions not stated): TOPMed 0.00004; gnomAD 0.00005; ESP Exome Variant Server 0.00008.

Submission:

Labcorp Genetics (formerly Invitae), Labcorp
Classification: Uncertain significance for 46,XY sex reversal 9. Last evaluated: 2023-09-08. Review status: criteria provided, single submitter. Criteria: Invitae Variant Classification Sherloc (09022015). Collection method: clinical testing. Allele origin: germline.
Comment: This sequence change replaces methionine, which is neutral and non-polar, with isoleucine, which is neutral and non-polar, at codon 148 of the ZFPM2 protein (p.Met148Ile). This variant is present in population databases (rs373855468, gnomAD 0.01%). In summary, the available evidence is currently insufficient to determine the role of this variant in disease. Therefore, it has been classified as a Variant of Uncertain Significance. An algorithm developed to predict the effect of missense changes on protein structure and function (PolyPhen-2) suggests that this variant is likely to be tolerated. ClinVar contains an entry for this variant (Variation ID: 477992). This variant has not been reported in the literature in individuals affected with ZFPM2-related conditions.

NM_012082.4(ZFPM2):c.444G>C (p.Met148Ile)

Gene: ZFPM2 (zinc finger protein, FOG family member 2; plus strand). Cytogenetic location: 8q23.1.
Variant type: single nucleotide variant.
Coding change: c.444G>C on transcript NM_012082.4 (MANE Select); coding-DNA position 444, G replaced by C.
Protein change: p.Met148Ile; replaces methionine 148 with isoleucine.
Molecular consequence: missense variant.
Genome position (GRCh38, 1-based): chr8:105,634,269, G>C. VCF-style: chr8-105634269-G-C. GRCh37 (hg19) VCF-style: chr8-106646497-G-C.
Other names: c.285G>C, p.Met95Ile (NM_001362836.2); c.48G>C, p.Met16Ile (NM_001362837.2); short protein forms M148I, M95I, M16I.
Identifiers: ClinVar variation 477992 (VCV000477992.6), dbSNP rs373855468, ClinGen allele CA4839524.